The following is an entry in ClinVar:

NM_001267550.2(TTN):c.8131A>C (p.Lys2711Gln)

Gene: TTN (titin; minus strand). Cytogenetic location: 2q31.2.
Variant type: single nucleotide variant.
Coding change: c.8131A>C on transcript NM_001267550.2 (MANE Select); coding-DNA position 8131, A replaced by C.
Protein change: p.Lys2711Gln; replaces lysine 2711 with glutamine.
Molecular consequence: missense variant.
Genome position (GRCh38, 1-based): chr2:178,770,661, T>G on the plus strand (A>C on the coding strand, the complement: TTN is on the minus strand). VCF-style: chr2-178770661-T-G. GRCh37 (hg19) VCF-style: chr2-179635388-T-G.
Other names: c.8131A>C, p.Lys2711Gln (NM_001256850.1, NM_133379.5, NM_133378.4); c.7993A>C, p.Lys2665Gln (NM_003319.4, NM_133432.3, NM_133437.4); short protein forms K2711Q, K2665Q.
Identifiers: ClinVar variation 179245 (VCV000179245.6), dbSNP rs727504735, ClinGen allele CA184038.

ClinVar aggregate classification (germline): Uncertain significance. Review status: criteria provided, multiple submitters, no conflicts (2 of 4 stars). 2 submissions from 2 submitters: Uncertain significance (2). Last evaluated 2021-09-17.

Conditions:
Autosomal recessive limb-girdle muscular dystrophy type 2J (LGMDR10). Also called: MUSCULAR DYSTROPHY, LIMB-GIRDLE, AUTOSOMAL RECESSIVE 10; Limb-girdle muscular dystrophy, type 2J. Identifiers: Orphanet 140922, MedGen C1837342, MONDO:0012127, OMIM 608807.
Tibial muscular dystrophy (TMD). Also called: Tibial muscular dystrophy, tardive; Udd Distal Myopathy – Tibial Muscular Dystrophy; UDD MYOPATHY. Identifiers: Orphanet 609, MedGen C1838244, MONDO:0010870, OMIM 600334.
Myopathy, myofibrillar, 9, with early respiratory failure (MFM9). Also called: Myopathy, distal, with early respiratory failure, autosomal dominant; EDSTROM MYOPATHY; MYOPATHY, PROXIMAL, WITH EARLY RESPIRATORY MUSCLE INVOLVEMENT; Hereditary myopathy with early respiratory failure. Identifiers: Orphanet 178464, Orphanet 34521, MedGen C1863599, MONDO:0011362, OMIM 603689.
Dilated cardiomyopathy 1G (CMD1G). Identifiers: Orphanet 154, MedGen C1858763, MONDO:0011400, OMIM 604145.
Early-onset myopathy with fatal cardiomyopathy (CMYO5). Also called: CONGENITAL MYOPATHY 5 WITH CARDIOMYOPATHY; Salih Myopathy. Identifiers: Orphanet 289377, MedGen C2673677, MONDO:0012714, OMIM 611705. Disease mechanism: loss of function.
Hypertrophic cardiomyopathy 9. Also called: Familial hypertrophic cardiomyopathy 9. Identifiers: MedGen C1861065, MONDO:0013412, OMIM 613765.

Submissions (2):

Fulgent Genetics
Classification: Uncertain significance for Tibial muscular dystrophy; Myopathy, myofibrillar, 9, with early respiratory failure; Dilated cardiomyopathy 1G; Autosomal recessive limb-girdle muscular dystrophy type 2J; Early-onset myopathy with fatal cardiomyopathy; Hypertrophic cardiomyopathy 9. Last evaluated: 2021-09-17. Review status: criteria provided, single submitter. Criteria: ACMG Guidelines, 2015. Collection method: clinical testing. Allele origin: unknown.

Laboratory for Molecular Medicine, Mass General Brigham Personalized Medicine
Classification: Uncertain significance. Last evaluated: 2013-08-22. Review status: criteria provided, single submitter. Criteria: LMM Criteria. Collection method: clinical testing. Allele origin: germline. Observed: 1 variant allele.
Comment: The Lys2711Gln variant in TTN has not been reported in individuals with cardiomy opathy or in large population studies Computational analyses (biochemical amino acid properties, conservation, AlignGVGD, PolyPhen2, and SIFT) suggest that this variant may impact the protein, though this information is not predictive enoug h to determine pathogenicity. Additional information is needed to fully assess t he clinical significance of the Lys2711Gln variant.